The following is an entry in ClinVar:

ClinVar aggregate classification (germline): Pathogenic. Review status: criteria provided, multiple submitters, no conflicts (2 of 4 stars). 2 submissions from 2 submitters: Pathogenic (2). Last evaluated 2023-10-03.

Conditions:
Glycogen storage disease, type II (IOPD). Also called: ACID ALPHA-GLUCOSIDASE DEFICIENCY, INFANTILE-ONSET; GAA DEFICIENCY, INFANTILE-ONSET; ACID MALTASE DEFICIENCY, INFANTILE-ONSET; POMPE DISEASE, INFANTILE-ONSET; GLYCOGEN STORAGE DISEASE II, INFANTILE-ONSET; Glucosidase acid-1,4-alpha deficiency. Identifiers: Orphanet 365, MedGen C0017921, MONDO:0009290, OMIM 232300.

Submissions (2):

Labcorp Genetics (formerly Invitae), Labcorp
Classification: Pathogenic for Glycogen storage disease, type II. Last evaluated: 2023-10-03. Review status: criteria provided, single submitter. Criteria: Invitae Variant Classification Sherloc (09022015). Collection method: clinical testing. Allele origin: germline.
Comment: This sequence change creates a premature translational stop signal (p.Gln875*) in the GAA gene. It is expected to result in an absent or disrupted protein product. Loss-of-function variants in GAA are known to be pathogenic (PMID: 18425781, 22252923). This variant is not present in population databases (gnomAD no frequency). This variant has not been reported in the literature in individuals affected with GAA-related conditions. ClinVar contains an entry for this variant (Variation ID: 1322956). For these reasons, this variant has been classified as Pathogenic.

Revvity Omics, Revvity
Classification: Pathogenic. Last evaluated: 2020-02-13. Review status: criteria provided, single submitter. Criteria: ACMG Guidelines, 2015. Collection method: clinical testing. Allele origin: germline.

Literature cited by the submitters: PubMed 18425781 (cited by Labcorp Genetics (formerly Invitae), Labcorp); PubMed 22252923 (cited by Labcorp Genetics (formerly Invitae), Labcorp).

NM_000152.5(GAA):c.2623C>T (p.Gln875Ter)

Gene: GAA (alpha glucosidase; plus strand). Cytogenetic location: 17q25.3.
Variant type: single nucleotide variant.
Coding change: c.2623C>T on transcript NM_000152.5 (MANE Select); coding-DNA position 2623, C replaced by T.
Protein change: p.Gln875Ter; replaces glutamine 875 with a stop codon.
Molecular consequence: nonsense.
Genome position (GRCh38, 1-based): chr17:80,118,334, C>T. VCF-style: chr17-80118334-C-T. GRCh37 (hg19) VCF-style: chr17-78092133-C-T.
Other names: c.2623C>T, p.Gln875Ter (NM_001079803.3, NM_001079804.3); short protein forms Q875*.
Identifiers: ClinVar variation 1322956 (VCV001322956.7), dbSNP rs2143930800, ClinGen allele CA401326401.
Genomic context (GRCh38, chr17:80,118,334, plus strand): 5'-GGGGAGCTGTTCTGGGACGATGGAGAGAGCCTGGAAGTGCTGGAGCGAGGGGCCTACACA[C>T]AGGTCATCTTCCTGGCCAGGAATGTGAGTCCTGGGGCTGCTCAGGCTGGTGGGCAGGGGC-3'